The following is an entry in ClinVar:

ClinVar aggregate classification (germline): Conflicting classifications of pathogenicity. Review status: criteria provided, conflicting classifications (1 of 4 stars). 3 submissions from 3 submitters: Uncertain significance (1); Likely benign (2). Last evaluated 2026-01-02.

Conditions:
Bethlem myopathy 1A. Also called: MYOPATHY, BENIGN CONGENITAL, WITH CONTRACTURES; Bethlem Muscular Dystrophy; Bethlem myopathy 1. Identifiers: Orphanet 610, MedGen CN029274, MONDO:0024530, OMIM 158810.

Allele frequency attached by ClinVar (database versions not stated): gnomAD exomes 0.00007 and 0.00016; TOPMed 0.00010; ESP Exome Variant Server 0.00023; 1000 Genomes Project 30x 0.00031; 1000 Genomes Project 0.00040; ExAC 0.00051.

Submissions (3):

Labcorp Genetics (formerly Invitae), Labcorp
Classification: Likely benign for Bethlem myopathy 1A. Last evaluated: 2026-01-02. Review status: criteria provided, single submitter. Criteria: Invitae Variant Classification Sherloc (09022015). Collection method: clinical testing. Allele origin: germline.

Mayo Clinic Laboratories, Mayo Clinic
Classification: Likely benign. Last evaluated: 2025-07-30. Review status: criteria provided, single submitter. Criteria: ACMG Guidelines, 2015. Collection method: clinical testing. Allele origin: germline. Observed: 1 variant allele.
Comment: BP4, BP7

Revvity Omics, Revvity
Classification: Uncertain significance. Last evaluated: 2025-04-25. Review status: criteria provided, single submitter. Criteria: ACMG Guidelines, 2015. Collection method: clinical testing. Allele origin: germline.

NM_001848.3(COL6A1):c.717+9C>T

Gene: COL6A1 (collagen type VI alpha 1 chain; plus strand). Cytogenetic location: 21q22.3.
Variant type: single nucleotide variant.
Coding change: c.717+9C>T on transcript NM_001848.3 (MANE Select); 9 bases into the intron after coding-DNA position 717, C replaced by T.
Molecular consequence: intron variant.
Genome position (GRCh38, 1-based): chr21:45,987,081, C>T. VCF-style: chr21-45987081-C-T. GRCh37 (hg19) VCF-style: chr21-47406995-C-T.
Other names: p.?.
Identifiers: ClinVar variation 543021 (VCV000543021.11), dbSNP rs183868804, ClinGen allele CA10069655.